The following is an entry in ClinVar:

NM_001171.6(ABCC6):c.1597T>A (p.Ser533Thr)

Gene: ABCC6 (ATP binding cassette subfamily C member 6; minus strand). Cytogenetic location: 16p13.11.
Variant type: single nucleotide variant.
Coding change: c.1597T>A on transcript NM_001171.6 (MANE Select); coding-DNA position 1597, T replaced by A.
Protein change: p.Ser533Thr; replaces serine 533 with threonine.
Molecular consequence: missense variant. On other transcripts: non-coding transcript variant (1).
Genome position (GRCh38, 1-based): chr16:16,190,202, A>T on the plus strand (T>A on the coding strand, the complement: ABCC6 is on the minus strand). VCF-style: chr16-16190202-A-T. GRCh37 (hg19) VCF-style: chr16-16284059-A-T.
Other names: c.1255T>A, p.Ser419Thr (NM_001351800.1); short protein forms S419T, S533T.
Identifiers: ClinVar variation 1446645 (VCV001446645.6), dbSNP rs2152269943, ClinGen allele CA394889599.
Genomic context (GRCh38, chr16:16,190,202, plus strand): 5'-ATAGAGACTAGAGTGACGTCACCAGAAATGTAGACACTTGGAAGGACACCAGCGACACAG[A>T]GAAGAGGAGGCCGGAGGTCCGCAAGGCGCCCAGCTCCTGGCCTCGGATGCCCAGGACTCT-3'
Protein context (NP_001162.5, residues 523-543): GALRTSGLLF[Ser533Thr]VSLVSFQVST

ClinVar aggregate classification (germline): Uncertain significance (1 of 4 stars; one submission).

Submission:

Labcorp Genetics (formerly Invitae), Labcorp
Classification: Uncertain significance. Last evaluated: 2021-10-03. Review status: criteria provided, single submitter. Criteria: Invitae Variant Classification Sherloc (09022015). Collection method: clinical testing. Allele origin: germline.
Comment: In summary, the available evidence is currently insufficient to determine the role of this variant in disease. Therefore, it has been classified as a Variant of Uncertain Significance. Advanced modeling of protein sequence and biophysical properties (such as structural, functional, and spatial information, amino acid conservation, physicochemical variation, residue mobility, and thermodynamic stability) performed at Invitae indicates that this missense variant is not expected to disrupt ABCC6 protein function. This variant has not been reported in the literature in individuals affected with ABCC6-related conditions. This variant is not present in population databases (ExAC no frequency). This sequence change replaces serine with threonine at codon 533 of the ABCC6 protein (p.Ser533Thr). The serine residue is moderately conserved and there is a small physicochemical difference between serine and threonine.